The following is an entry in ClinVar:

ClinVar aggregate classification (germline): Conflicting classifications of pathogenicity. Review status: criteria provided, conflicting classifications (1 of 4 stars). 2 submissions from 2 submitters: Uncertain significance (1); Likely benign (1). Last evaluated 2023-11-27.

Conditions:
Charcot-Marie-Tooth disease axonal type 2O. Also called: Charcot-Marie-Tooth disease, axonal, type 20; CHARCOT-MARIE-TOOTH NEUROPATHY, AXONAL, TYPE 2O; CHARCOT-MARIE-TOOTH DISEASE, AXONAL, AUTOSOMAL DOMINANT, TYPE 2O; Charcot-Marie-Tooth Neuropathy Type 2O. Identifiers: Orphanet 284232, MedGen C3280220, MONDO:0013644, OMIM 614228.
Inborn genetic diseases. Identifiers: MedGen C0950123, MeSH D030342.

Allele frequency attached by ClinVar (database versions not stated): gnomAD exomes below 0.00001.
gnomAD v4.1: 3 of 1,614,028 alleles (0.00019%); highest among the groups gnomAD compares: Non-Finnish European, 0.00025%; no homozygotes.

Submissions (2):

Ambry Genetics
Classification: Uncertain significance for Inborn genetic diseases. Last evaluated: 2023-11-27. Review status: criteria provided, single submitter. Criteria: Ambry Variant Classification Scheme 2023. Collection method: clinical testing. Allele origin: germline.
Comment: The c.10405G>A (p.E3469K) alteration is located in exon 54 (coding exon 54) of the DYNC1H1 gene. This alteration results from a G to A substitution at nucleotide position 10405, causing the glutamic acid (E) at amino acid position 3469 to be replaced by a lysine (K). This variant was not reported in population-based cohorts in the Genome Aggregation Database (gnomAD). This amino acid position is highly conserved in available vertebrate species. This missense alteration is located in a region that has a low rate of benign missense variation (Lek, 2016; Firth, 2009). This alteration is predicted to be deleterious by in silico analysis. Based on insufficient or conflicting evidence, the clinical significance of this alteration remains unclear.

Labcorp Genetics (formerly Invitae), Labcorp
Classification: Likely benign for Charcot-Marie-Tooth disease axonal type 2O. Last evaluated: 2023-11-27. Review status: criteria provided, single submitter. Criteria: Invitae Variant Classification Sherloc (09022015). Collection method: clinical testing. Allele origin: germline.

NM_001376.5(DYNC1H1):c.10405G>A (p.Glu3469Lys)

Gene: DYNC1H1 (dynein cytoplasmic 1 heavy chain 1; plus strand). Cytogenetic location: 14q32.31.
Variant type: single nucleotide variant.
Coding change: c.10405G>A on transcript NM_001376.5 (MANE Select); coding-DNA position 10405, G replaced by A.
Protein change: p.Glu3469Lys; replaces glutamic acid 3469 with lysine.
Molecular consequence: missense variant.
Genome position (GRCh38, 1-based): chr14:102,033,476, G>A. VCF-style: chr14-102033476-G-A. GRCh37 (hg19) VCF-style: chr14-102499813-G-A.
Other names: short protein forms E3469K.
Identifiers: ClinVar variation 2857340 (VCV002857340.4), dbSNP rs2503824109, ClinGen allele CA391025110.